The following is an entry in ClinVar:

NM_002439.5(MSH3):c.1570A>G (p.Asn524Asp)

Gene: MSH3 (mutS homolog 3; plus strand). Cytogenetic location: 5q14.1.
Variant type: single nucleotide variant.
Coding change: c.1570A>G on transcript NM_002439.5 (MANE Select); coding-DNA position 1570, A replaced by G.
Protein change: p.Asn524Asp; replaces asparagine 524 with aspartic acid.
Molecular consequence: missense variant.
Genome position (GRCh38, 1-based): chr5:80,741,465, A>G. VCF-style: chr5-80741465-A-G. GRCh37 (hg19) VCF-style: chr5-80037284-A-G.
Other names: short protein forms N524D.
Identifiers: ClinVar variation 5024786 (VCV005024786.1).

ClinVar aggregate classification (germline): Uncertain significance (1 of 4 stars; one submission).

Conditions:
Hereditary cancer-predisposing syndrome. Also called: Neoplastic Syndromes, Hereditary; Tumor predisposition; Hereditary neoplastic syndrome; Hereditary Cancer Syndrome. Identifiers: Orphanet 140162, MedGen C0027672, MeSH D009386, MONDO:0015356.

Submission:

Ambry Genetics
Classification: Uncertain significance for Hereditary cancer-predisposing syndrome. Last evaluated: 2026-07-07. Review status: criteria provided, single submitter. Criteria: Ambry Variant Classification Scheme 2023. Collection method: clinical testing. Allele origin: germline.
Comment: The p.N524D variant (also known as c.1570A>G), located in coding exon 11 of the MSH3 gene, results from an A to G substitution at nucleotide position 1570. The asparagine at codon 524 is replaced by aspartic acid, an amino acid with highly similar properties. This amino acid position is conserved. In addition, this alteration is predicted to be tolerated by in silico analysis. Based on the available evidence, the clinical significance of this variant remains unclear.